The following is an entry in ClinVar:

NM_000138.5(FBN1):c.3959G>A (p.Cys1320Tyr)

Gene: FBN1 (fibrillin 1; minus strand). Cytogenetic location: 15q21.1.
Variant type: single nucleotide variant.
Coding change: c.3959G>A on transcript NM_000138.5 (MANE Select); coding-DNA position 3959, G replaced by A.
Protein change: p.Cys1320Tyr; replaces cysteine 1320 with tyrosine.
Molecular consequence: missense variant.
Genome position (GRCh38, 1-based): chr15:48,481,660, C>T on the plus strand (G>A on the coding strand, the complement: FBN1 is on the minus strand). VCF-style: chr15-48481660-C-T. GRCh37 (hg19) VCF-style: chr15-48773857-C-T.
Other names: c.3959G>A, p.Cys1320Tyr (NM_001406716.1); short protein forms C1320Y.
Identifiers: ClinVar variation 4783800 (VCV004783800.2).

ClinVar aggregate classification (germline): Pathogenic/Likely pathogenic. Review status: criteria provided, multiple submitters, no conflicts (2 of 4 stars). 2 submissions from 2 submitters: Pathogenic (1); Likely pathogenic (1). Last evaluated 2026-04-10.

Conditions:
Marfan syndrome (MFS). Also called: FBN1-Related Marfan Syndrome; MARFAN SYNDROME, TYPE I; Marfan syndrome type 1; Marfan's syndrome; Marfan syndrome, classic. Identifiers: Orphanet 284963, Orphanet 558, MedGen C0024796, MONDO:0007947, OMIM 154700.
Familial thoracic aortic aneurysm and aortic dissection (TAAD). Also called: Thoracic aortic aneurysms and dissections. Identifiers: Orphanet 91387, MedGen C4707243, MONDO:0019625.
Marfan Syndrome/Loeys-Dietz Syndrome/Familial Thoracic Aortic Aneurysms and Dissections. Identifiers: MedGen CN229799.

Submissions (2):

Women's Health and Genetics/Laboratory Corporation of America, LabCorp
Classification: Likely pathogenic for Marfan Syndrome/Loeys-Dietz Syndrome/Familial Thoracic Aortic Aneurysms and Dissections. Last evaluated: 2026-04-10. Review status: criteria provided, single submitter. Criteria: LabCorp Variant Classification Summary - May 2015. Collection method: clinical testing. Allele origin: germline.
Comment: Variant summary: FBN1 c.3959G>A (p.Cys1320Tyr) results in a non-conservative amino acid change in the encoded protein sequence. Algorithms developed to predict the effect of missense changes on protein structure and function all suggest that this variant is likely to be disruptive. The variant was absent in 251108 control chromosomes. c.3959G>A has been observed in individuals affected with Marfan Syndrome (Elshershari_2014, Guo_2021). These data indicate that the variant is likely associated with disease. To our knowledge, no experimental evidence demonstrating an impact on protein function has been reported. The following publications have been ascertained in the context of this evaluation (PMID: 23930893, 33844962). ClinVar contains an entry for this variant (Variation ID: 4783800). Missense mutations affecting cysteine residues are listed among the criteria for a causal FBN1 mutation when identified as de novo (with proven paternity) in the revised Ghent criteria for the diagnosis of Marfan and related conditions (Loeys 2010). Based on the evidence outlined above, the variant was classified as likely pathogenic until the de novo origin of this variant is unequivocally confirmed.

Labcorp Genetics (formerly Invitae), Labcorp
Classification: Pathogenic for Marfan syndrome; Familial thoracic aortic aneurysm and aortic dissection. Last evaluated: 2025-08-20. Review status: criteria provided, single submitter. Criteria: Invitae Variant Classification Sherloc (09022015). Collection method: clinical testing. Allele origin: germline.
Comment: This sequence change replaces cysteine, which is neutral and slightly polar, with tyrosine, which is neutral and polar, at codon 1320 of the FBN1 protein (p.Cys1320Tyr). This variant is not present in population databases (gnomAD no frequency). This missense change has been observed in individuals with Marfan syndrome (PMID: 23930893, 33844962). Invitae Evidence Modeling of protein sequence and biophysical properties (such as structural, functional, and spatial information, amino acid conservation, physicochemical variation, residue mobility, and thermodynamic stability) indicates that this missense variant is expected to disrupt FBN1 protein function with a positive predictive value of 95%. This variant affects a cysteine residue in the EGF-like, TGFBP or hybrid motif domains of FBN1. Cysteine residues are believed to be involved in intramolecular disulfide bridges and have been shown to be important for FBN1 protein structure (PMID: 16905551, 19349279). In addition, missense substitutions affecting cysteine residues within these domains are significantly overrepresented among patients with Marfan syndrome (PMID: 16571647, 17701892). For these reasons, this variant has been classified as Pathogenic.

Literature cited by the submitters: PubMed 23930893 (cited by Women's Health and Genetics/Laboratory Corporation of America, LabCorp and Labcorp Genetics (formerly Invitae), Labcorp); PubMed 33844962 (cited by Women's Health and Genetics/Laboratory Corporation of America, LabCorp and Labcorp Genetics (formerly Invitae), Labcorp); PubMed 16905551 (cited by Labcorp Genetics (formerly Invitae), Labcorp); PubMed 19349279 (cited by Labcorp Genetics (formerly Invitae), Labcorp); PubMed 16571647 (cited by Labcorp Genetics (formerly Invitae), Labcorp); PubMed 17701892 (cited by Labcorp Genetics (formerly Invitae), Labcorp).